The following is an entry in ClinVar:

NM_023067.4(FOXL2):c.857del (p.Pro286fs)

Gene: FOXL2 (forkhead box L2; minus strand). Cytogenetic location: 3q22.3.
Variant type: Deletion.
Coding change: c.857del on transcript NM_023067.4 (MANE Select); coding-DNA position 857, one base deleted (C; older notation c.857delC).
Protein change: p.Pro286fs; shifts the reading frame from proline 286.
Molecular consequence: frameshift variant.
Genome position (GRCh38, 1-based): chr3:138,945,866, G deleted on the plus strand (C on the coding strand, the reverse complement: FOXL2 is on the minus strand); the first of 2 consecutive G bases (chr3:138,945,866-138,945,867); deleting either gives the same sequence. VCF-style (leftmost placement, unchanged base first): chr3-138945865-AG-A. GRCh37 (hg19) VCF-style: chr3-138664707-AG-A.
Other names: short protein forms P286fs.
Identifiers: ClinVar variation 3775528 (VCV003775528.1).

ClinVar aggregate classification (germline): Likely pathogenic (1 of 4 stars; one submission).

Conditions:
Blepharophimosis, ptosis, and epicanthus inversus syndrome. Identifiers: Orphanet 126, MedGen C0220663, MONDO:0007201, OMIM 110100.

Submission:

3billion
Classification: Likely pathogenic for Blepharophimosis, ptosis, and epicanthus inversus syndrome. Last evaluated: 2023-07-26. Review status: criteria provided, single submitter. Criteria: ACMG Guidelines, 2015. Collection method: clinical testing. Allele origin: germline. Affected: yes.
Comment: The variant is not observed in the gnomAD v2.1.1 dataset. Predicted Consequence/Location: Frameshift: predicted to result in a loss or disruption of normal protein function through protein truncation. Multiple pathogenic variants are reported in the predicted truncated region. Therefore, this variant is classified as Likely pathogenic according to the recommendation of ACMG/AMP guideline.